The following is an entry in ClinVar:

NM_002691.4(POLD1):c.2574G>C (p.Glu858Asp)

Gene: POLD1 (DNA polymerase delta 1, catalytic subunit; plus strand). Cytogenetic location: 19q13.33.
Variant type: single nucleotide variant.
Coding change: c.2574G>C on transcript NM_002691.4 (MANE Select); coding-DNA position 2574, G replaced by C.
Protein change: p.Glu858Asp; replaces glutamic acid 858 with aspartic acid.
Molecular consequence: missense variant. On other transcripts: non-coding transcript variant (1).
Genome position (GRCh38, 1-based): chr19:50,415,447, G>C. VCF-style: chr19-50415447-G-C. GRCh37 (hg19) VCF-style: chr19-50918704-G-C.
Other names: c.2574G>C, p.Glu858Asp (NM_001256849.1); c.2652G>C, p.Glu884Asp (NM_001308632.1); short protein forms E858D, E884D.
Identifiers: ClinVar variation 2813115 (VCV002813115.3), dbSNP rs1060501820, ClinGen allele CA406985295.
Genomic context (GRCh38, chr19:50,415,447, plus strand): 5'-GCCTGGCCCTCAGTGCCTTTTGGTGACGCTGTGCGGCCCGCTCTCCTACAGAGACCCTGA[G>C]GGCGCGGTGGCTCACGCACAGGACGTCATCTCGGACCTGCTGTGCAACCGCATCGATATC-3'
Protein context (NP_002682.2, residues 848-868): LRRLLIDRDP[Glu858Asp]GAVAHAQDVI

ClinVar aggregate classification (germline): Uncertain significance (1 of 4 stars; one submission).

Conditions:
POLD1-related polyposis and colorectal cancer syndrome (CRCS10). Also called: Colorectal cancer 10; Colorectal cancer, susceptibility to, 10; COLORECTAL CANCER, SUSCEPTIBILITY TO, ON CHROMOSOME 19q. Identifiers: Orphanet 220460, MedGen C2675481, MONDO:0012953, OMIM 612591.

Submission:

Labcorp Genetics (formerly Invitae), Labcorp
Classification: Uncertain significance for POLD1-related polyposis and colorectal cancer syndrome. Last evaluated: 2022-11-09. Review status: criteria provided, single submitter. Criteria: Invitae Variant Classification Sherloc (09022015). Collection method: clinical testing. Allele origin: germline.
Comment: In summary, the available evidence is currently insufficient to determine the role of this variant in disease. Therefore, it has been classified as a Variant of Uncertain Significance. Advanced modeling of protein sequence and biophysical properties (such as structural, functional, and spatial information, amino acid conservation, physicochemical variation, residue mobility, and thermodynamic stability) performed at Invitae indicates that this missense variant is not expected to disrupt POLD1 protein function. This variant has not been reported in the literature in individuals affected with POLD1-related conditions. This variant is not present in population databases (gnomAD no frequency). This sequence change replaces glutamic acid, which is acidic and polar, with aspartic acid, which is acidic and polar, at codon 858 of the POLD1 protein (p.Glu858Asp).